The following is an entry in ClinVar:

ClinVar aggregate classification (germline): Uncertain significance (1 of 4 stars; one submission).

Conditions:
Neuroblastoma, susceptibility to, 3. Also called: ALK-Related Neuroblastic Tumor Susceptibility. Identifiers: Orphanet 635, MedGen C2751681, MONDO:0013083, OMIM 613014.

Submission:

Labcorp Genetics (formerly Invitae), Labcorp
Classification: Uncertain significance for Neuroblastoma, susceptibility to, 3. Last evaluated: 2022-01-25. Review status: criteria provided, single submitter. Criteria: Invitae Variant Classification Sherloc (09022015). Collection method: clinical testing. Allele origin: germline.
Comment: This variant, c.2836_2838del, results in the deletion of 1 amino acid(s) of the ALK protein (p.Asn946del), but otherwise preserves the integrity of the reading frame. This variant is not present in population databases (gnomAD no frequency). This variant has not been reported in the literature in individuals affected with ALK-related conditions. ClinVar contains an entry for this variant (Variation ID: 837022). Experimental studies and prediction algorithms are not available or were not evaluated, and the functional significance of this variant is currently unknown. In summary, the available evidence is currently insufficient to determine the role of this variant in disease. Therefore, it has been classified as a Variant of Uncertain Significance.

NM_004304.5(ALK):c.2836_2838del (p.Asn946del)

Gene: ALK (ALK receptor tyrosine kinase; minus strand). Cytogenetic location: 2p23.2.
Variant type: Deletion.
Coding change: c.2836_2838del on transcript NM_004304.5 (MANE Select); coding-DNA positions 2836 to 2838, 3 bases deleted (AAT; older notation c.2836_2838delAAT).
Protein change: p.Asn946del; deletes asparagine 946.
Molecular consequence: inframe deletion.
Genome position (GRCh38, 1-based): chr2:29,227,650-29,227,652, ATT deleted on the plus strand (AAT on the coding strand, the reverse complement: ALK is on the minus strand). VCF-style (leftmost placement, unchanged base first): chr2-29227649-CATT-C. GRCh37 (hg19) VCF-style: chr2-29450515-CATT-C.
Other names: short protein forms N946del.
Identifiers: ClinVar variation 837022 (VCV000837022.9), dbSNP rs1664046295, ClinGen allele CA916081306.